The following is an entry in ClinVar:

NM_004385.5(VCAN):c.8477C>T (p.Ser2826Leu)

Genes: VCAN (versican; plus strand), VCAN-AS1 (VCAN antisense RNA 1; minus strand). Cytogenetic location: 5q14.3.
Variant type: single nucleotide variant.
Coding change: c.8477C>T on transcript NM_004385.5 (MANE Select); coding-DNA position 8477, C replaced by T.
Protein change: p.Ser2826Leu; replaces serine 2826 with leucine.
Molecular consequence: missense variant. On other transcripts: intron variant (2).
Genome position (GRCh38, 1-based): chr5:83,541,480, C>T. VCF-style: chr5-83541480-C-T. GRCh37 (hg19) VCF-style: chr5-82837299-C-T.
Other names: c.5516C>T, p.Ser1839Leu (NM_001164097.2); c.4004-4057C>T (NM_001164098.2); c.1043-4057C>T (NM_001126336.3); short protein forms S1839L, S2826L.
Identifiers: ClinVar variation 2983210 (VCV002983210.3), dbSNP rs759103599, ClinGen allele CA3333814.
Genomic context (GRCh38, chr5:83,541,480, plus strand): 5'-ATTACACTGATACAACATTAGCAGTTTCAACATTTGCGAAGTTGTCTTCTCAGACACCAT[C>T]ATCTCCCCTCACTATCTACTCAGGCAGTGAAGCCTCTGGACACACAGAGATCCCCCAGCC-3'
Protein context (NP_004376.2, residues 2816-2836): TFAKLSSQTP[Ser2826Leu]SPLTIYSGSE

ClinVar aggregate classification (germline): Uncertain significance (1 of 4 stars; one submission).

Allele frequency attached by ClinVar (database versions not stated): gnomAD exomes below 0.00001; ExAC 0.00002.
gnomAD v4.1: 5 of 1,614,094 alleles (0.00031%); highest among the groups gnomAD compares: Non-Finnish European, 0.00042%; no homozygotes.

Submission:

Labcorp Genetics (formerly Invitae), Labcorp
Classification: Uncertain significance. Last evaluated: 2023-05-16. Review status: criteria provided, single submitter. Criteria: Invitae Variant Classification Sherloc (09022015). Collection method: clinical testing. Allele origin: germline.
Comment: In summary, the available evidence is currently insufficient to determine the role of this variant in disease. Therefore, it has been classified as a Variant of Uncertain Significance. An algorithm developed to predict the effect of missense changes on protein structure and function (PolyPhen-2) suggests that this variant is likely to be tolerated. This variant has not been reported in the literature in individuals affected with VCAN-related conditions. This variant is present in population databases (rs759103599, gnomAD 0.002%). This sequence change replaces serine, which is neutral and polar, with leucine, which is neutral and non-polar, at codon 2826 of the VCAN protein (p.Ser2826Leu).